The following is an entry in ClinVar:

ClinVar aggregate classification (germline): Likely benign (1 of 4 stars; one submission).

Submission:

GeneDx
Classification: Likely benign. Last evaluated: 2016-06-29. Review status: criteria provided, single submitter. Criteria: GeneDx Variant Classification (06012015). Collection method: clinical testing. Allele origin: germline. Affected: yes.
Comment: This variant is considered likely benign or benign based on one or more of the following criteria: it is a conservative change, it occurs at a poorly conserved position in the protein, it is predicted to be benign by multiple in silico algorithms, and/or has population frequency not consistent with disease.

NM_000179.3(MSH6):c.628-18T>C

Gene: MSH6 (mutS homolog 6; plus strand). Cytogenetic location: 2p16.3.
Variant type: single nucleotide variant.
Coding change: c.628-18T>C on transcript NM_000179.3 (MANE Select); 18 bases into the intron before coding-DNA position 628, T replaced by C.
Molecular consequence: intron variant.
Genome position (GRCh38, 1-based): chr2:47,798,593, T>C. VCF-style: chr2-47798593-T-C. GRCh37 (hg19) VCF-style: chr2-48025732-T-C.
Other names: c.-279-18T>C (NM_001281493.2); c.238-18T>C (NM_001281492.2); c.-275-22T>C (NM_001281494.2).
Identifiers: ClinVar variation 387443 (VCV000387443.1), dbSNP rs752800026, ClinGen allele CA16604273.
Genomic context (GRCh38, chr2:47,798,593, plus strand): 5'-AATCATAAGTTGAACTGTCTTACATTATGGTTTTCCAAATTTTGATTTGTTTTTAAATAC[T>C]CTTTCCTTGCCTGGCAGGTAGGCACAACTTACGTAACAGATAAGAGTGAAGAAGATAATG-3'